The following is an entry in ClinVar:

NM_144997.7(FLCN):c.1063-244A>G

Gene: FLCN (folliculin; minus strand). Cytogenetic location: 17p11.2.
Variant type: single nucleotide variant.
Coding change: c.1063-244A>G on transcript NM_144997.7 (MANE Select); 244 bases into the intron before coding-DNA position 1063, A replaced by G.
Molecular consequence: intron variant.
Genome position (GRCh38, 1-based): chr17:17,217,426, T>C on the plus strand (A>G on the coding strand, the complement: FLCN is on the minus strand). VCF-style: chr17-17217426-T-C. GRCh37 (hg19) VCF-style: chr17-17120740-T-C.
Other names: c.1063-244A>G (NM_001353231.2, NM_001353230.2); c.1117-244A>G (NM_001353229.2).
Identifiers: ClinVar variation 2845755 (VCV002845755.3), dbSNP rs2544177248, ClinGen allele CA2636353011.

ClinVar aggregate classification (germline): Uncertain significance (1 of 4 stars; one submission).

Conditions:
Birt-Hogg-Dube syndrome. Also called: Birt Hogg Dubé syndrome. Identifiers: Orphanet 122, MedGen C0346010, MONDO:0800444.

Submission:

Labcorp Genetics (formerly Invitae), Labcorp
Classification: Uncertain significance for Birt-Hogg-Dube syndrome. Last evaluated: 2024-05-28. Review status: criteria provided, single submitter. Criteria: Invitae Variant Classification Sherloc (09022015). Collection method: clinical testing. Allele origin: germline.
Comment: This sequence change falls in intron 9 of the FLCN gene. It does not directly change the encoded amino acid sequence of the FLCN protein. RNA analysis indicates that this variant induces altered splicing and may result in an absent or disrupted protein product. This variant is not present in population databases (gnomAD no frequency). This variant has not been reported in the literature in individuals affected with FLCN-related conditions. Studies have shown that this variant results in activation of a cryptic splice site and introduces a premature termination codon (Invitae). The resulting mRNA is expected to undergo nonsense-mediated decay. In summary, the available evidence is currently insufficient to determine the role of this variant in disease. Therefore, it has been classified as a Variant of Uncertain Significance.